The following is an entry in ClinVar:

NM_144596.4(TTC8):c.514G>A (p.Gly172Arg)

Gene: TTC8 (tetratricopeptide repeat domain 8; plus strand). Cytogenetic location: 14q31.3.
Variant type: single nucleotide variant.
Coding change: c.514G>A on transcript NM_144596.4 (MANE Select); coding-DNA position 514, G replaced by A.
Protein change: p.Gly172Arg; replaces glycine 172 with arginine.
Molecular consequence: missense variant. On other transcripts: 5 prime UTR variant (1), non-coding transcript variant (1), intron variant (3).
Genome position (GRCh38, 1-based): chr14:88,841,449, G>A. VCF-style: chr14-88841449-G-A. GRCh37 (hg19) VCF-style: chr14-89307793-G-A.
Other names: c.484G>A, p.Gly162Arg (NM_001288781.1, NM_001366535.2, NM_198309.3); c.-79G>A (NM_001288782.1); c.-199+253G>A (NM_001288783.1); c.459+253G>A (NM_198310.3, NM_001366536.2); short protein forms G162R, G172R.
Identifiers: ClinVar variation 2053421 (VCV002053421.4), dbSNP rs2546170528, ClinGen allele CA390575294.
Genomic context (GRCh38, chr14:88,841,449, plus strand): 5'-TTTCAGATCTCTTGGTCTATTGTTTTTCCTCTGTAGGCTTCCATGCTTACAAGTCCTGAT[G>A]GACCATTTATAAATTTATCTAGGCTGAATTTAACAAAGTATTCCCAGAAACCTAAGTTGG-3'
Protein context (NP_653197.2, residues 162-182): GTASMLTSPD[Gly172Arg]PFINLSRLNL

ClinVar aggregate classification (germline): Uncertain significance (1 of 4 stars; one submission).

Conditions:
Bardet-Biedl syndrome (BBS). Identifiers: Orphanet 110, MedGen C0752166, MONDO:0015229.

Submission:

Labcorp Genetics (formerly Invitae), Labcorp
Classification: Uncertain significance for Bardet-Biedl syndrome. Last evaluated: 2021-12-22. Review status: criteria provided, single submitter. Criteria: Invitae Variant Classification Sherloc (09022015). Collection method: clinical testing. Allele origin: germline.
Comment: In summary, the available evidence is currently insufficient to determine the role of this variant in disease. Therefore, it has been classified as a Variant of Uncertain Significance. Algorithms developed to predict the effect of missense changes on protein structure and function (SIFT, PolyPhen-2, Align-GVGD) all suggest that this variant is likely to be disruptive. This sequence change replaces glycine, which is neutral and non-polar, with arginine, which is basic and polar, at codon 162 of the TTC8 protein (p.Gly162Arg). This variant is not present in population databases (gnomAD no frequency). This variant has not been reported in the literature in individuals affected with TTC8-related conditions.